The following is an entry in ClinVar:

ClinVar aggregate classification (germline): Likely benign (0 of 4 stars; one submission).

Conditions:
FAT1-related disorder. Also called: FAT1-related condition.

Allele frequency attached by ClinVar (database versions not stated): ExAC 0.00001; gnomAD exomes 0.00001.
gnomAD v4.1: 15 of 1,613,654 alleles (0.00093%); highest among the groups gnomAD compares: South Asian, 0.016%; no homozygotes.

Submission:

PreventionGenetics, part of Exact Sciences
Classification: Likely benign for FAT1-related condition. Last evaluated: 2023-01-10. Review status: no assertion criteria provided. Collection method: clinical testing. Allele origin: germline.
Comment: This variant is classified as likely benign based on ACMG/AMP sequence variant interpretation guidelines (Richards et al. 2015 PMID: 25741868, with internal and published modifications).

NM_005245.4(FAT1):c.2061C>T (p.Leu687=)

Gene: FAT1 (FAT atypical cadherin 1; minus strand). Cytogenetic location: 4q35.2.
Variant type: single nucleotide variant.
Coding change: c.2061C>T on transcript NM_005245.4 (MANE Select); coding-DNA position 2061, C replaced by T.
Protein change: p.Leu687=; no amino-acid change (leucine 687 retained).
Molecular consequence: synonymous variant.
Genome position (GRCh38, 1-based): chr4:186,707,767, G>A on the plus strand (C>T on the coding strand, the complement: FAT1 is on the minus strand). VCF-style: chr4-186707767-G-A. GRCh37 (hg19) VCF-style: chr4-187628921-G-A.
Identifiers: ClinVar variation 3055258 (VCV003055258.2), dbSNP rs758003210, ClinGen allele CA3167330.